The following is an entry in ClinVar:

ClinVar aggregate classification (germline): Uncertain significance. Review status: criteria provided, multiple submitters, no conflicts (2 of 4 stars). 2 submissions from 2 submitters: Uncertain significance (2). Last evaluated 2023-08-26.

Conditions:
Hereditary cancer-predisposing syndrome. Also called: Neoplastic Syndromes, Hereditary; Hereditary Cancer Syndrome; Tumor predisposition; Hereditary neoplastic syndrome. Identifiers: Orphanet 140162, MedGen C0027672, MeSH D009386, MONDO:0015356.
Retinoblastoma (RB1). Also called: RETINOBLASTOMA, SOMATIC. Identifiers: Orphanet 790, MedGen C0035335, MeSH D012175, MONDO:0008380, OMIM 180200, HP:0009919. Disease mechanism: loss of function. Inheritance: Both sporadic and heritable forms are tested..

Submissions (2):

Ambry Genetics
Classification: Uncertain significance for Hereditary cancer-predisposing syndrome. Last evaluated: 2023-08-26. Review status: criteria provided, single submitter. Criteria: Ambry Variant Classification Scheme 2023. Collection method: clinical testing. Allele origin: germline.
Comment: The p.G818D variant (also known as c.2453G>A), located in coding exon 23 of the RB1 gene, results from a G to A substitution at nucleotide position 2453. The glycine at codon 818 is replaced by aspartic acid, an amino acid with similar properties. This amino acid position is conserved. In addition, the in silico prediction for this alteration is inconclusive. Since supporting evidence is limited at this time, the clinical significance of this alteration remains unclear.

Labcorp Genetics (formerly Invitae), Labcorp
Classification: Uncertain significance for Retinoblastoma. Last evaluated: 2019-10-16. Review status: criteria provided, single submitter. Criteria: Invitae Variant Classification Sherloc (09022015). Collection method: clinical testing. Allele origin: germline.
Comment: This sequence change replaces glycine with aspartic acid at codon 818 of the RB1 protein (p.Gly818Asp). The glycine residue is highly conserved and there is a moderate physicochemical difference between glycine and aspartic acid. This variant is not present in population databases (ExAC no frequency). This variant has not been reported in the literature in individuals with RB1-related conditions. Algorithms developed to predict the effect of missense changes on protein structure and function are either unavailable or do not agree on the potential impact of this missense change (SIFT: "Deleterious"; PolyPhen-2: "Probably Damaging"; Align-GVGD: "Class C0"). In summary, the available evidence is currently insufficient to determine the role of this variant in disease. Therefore, it has been classified as a Variant of Uncertain Significance.

NM_000321.3(RB1):c.2453G>A (p.Gly818Asp)

Gene: RB1 (RB transcriptional corepressor 1; plus strand). Cytogenetic location: 13q14.2.
Variant type: single nucleotide variant.
Coding change: c.2453G>A on transcript NM_000321.3 (MANE Select); coding-DNA position 2453, G replaced by A.
Protein change: p.Gly818Asp; replaces glycine 818 with aspartic acid.
Molecular consequence: missense variant.
Genome position (GRCh38, 1-based): chr13:48,465,332, G>A. VCF-style: chr13-48465332-G-A. GRCh37 (hg19) VCF-style: chr13-49039468-G-A.
Other names: short protein forms G818D.
Identifiers: ClinVar variation 943620 (VCV000943620.11), dbSNP rs1949433617, ClinGen allele CA388168018.